The following is an entry in ClinVar:

ClinVar aggregate classification (germline): Conflicting classifications of pathogenicity. Review status: criteria provided, conflicting classifications (1 of 4 stars). 7 submissions from 7 submitters: Uncertain significance (6); Benign (1). Last evaluated 2026-04-14.

Conditions:
Hereditary nonpolyposis colorectal neoplasms. Identifiers: MedGen C0009405, MeSH D003123.
Hereditary cancer-predisposing syndrome. Also called: Tumor predisposition; Neoplastic Syndromes, Hereditary; Hereditary neoplastic syndrome; Hereditary Cancer Syndrome. Identifiers: Orphanet 140162, MedGen C0027672, MeSH D009386, MONDO:0015356.
Lynch syndrome. Identifiers: Orphanet 144, MedGen C4552100, MONDO:0005835. Disease mechanism: loss of function.
Lynch syndrome 4 (LYNCH4). Also called: Colorectal cancer, hereditary nonpolyposis, type 4; Hereditary non-polyposis colorectal cancer, type 4. Identifiers: Orphanet 144, MedGen C1838333, MONDO:0013699, OMIM 614337. Disease mechanism: loss of function.

Allele frequency attached by ClinVar (database versions not stated): ExAC 0.00001; gnomAD 0.00001; gnomAD exomes 0.00001 and 0.00002; TOPMed 0.00001.
gnomAD v4.1: 12 of 1,602,796 alleles (0.00075%); highest among the groups gnomAD compares: East Asian, 0.027%; no homozygotes.

Submissions (7):

Ambry Genetics
Classification: Uncertain significance for Hereditary cancer-predisposing syndrome. Last evaluated: 2026-04-14. Review status: criteria provided, single submitter. Criteria: Ambry Variant Classification Scheme 2023. Collection method: clinical testing. Allele origin: germline.
Comment: The c.299A>C (p.Q100P) alteration is located in exon 4 (coding exon 4) of the PMS2 gene. This alteration results from a A to C substitution at nucleotide position 299, causing the glutamine (Q) at amino acid position 100 to be replaced by a proline (P). Based on data from gnomAD, the C allele has an overall frequency of 0.002% (4/238842) total alleles studied. The highest observed frequency was 0.022% (4/18110) of East Asian alleles. Based on insufficient or conflicting evidence, the clinical significance of this alteration remains unclear.

Labcorp Genetics (formerly Invitae), Labcorp
Classification: Benign for Hereditary nonpolyposis colorectal neoplasms. Last evaluated: 2026-01-18. Review status: criteria provided, single submitter. Criteria: Invitae Variant Classification Sherloc (09022015). Collection method: clinical testing. Allele origin: germline.

Color Diagnostics, LLC DBA Color Health
Classification: Uncertain significance for Hereditary cancer-predisposing syndrome. Last evaluated: 2025-03-31. Review status: criteria provided, single submitter. Criteria: ACMG Guidelines, 2015. Collection method: clinical testing. Allele origin: germline.
Comment: This missense variant replaces glutamine with proline at codon 100 of the PMS2 protein. Computational prediction suggests that this variant may not impact protein structure and function. To our knowledge, functional studies have not been reported for this variant. This variant has been reported in an individual affected with colorectal cancer (PMID: 34172528) and 3 individuals affected with breast cancer (PMID: 32068069). This variant has been identified in 4/238842 chromosomes in the general population by the Genome Aggregation Database (gnomAD). The available evidence is insufficient to determine the role of this variant in disease conclusively. Therefore, this variant is classified as a Variant of Uncertain Significance.

Molecular Pathology, Peter Maccallum Cancer Centre
Classification: Uncertain significance for Lynch syndrome 4. Last evaluated: 2024-02-21. Review status: criteria provided, single submitter. Criteria: ACMG Guidelines, 2015. Collection method: clinical testing. Allele origin: germline. Inheritance: Autosomal dominant inheritance.

GeneDx
Classification: Uncertain significance. Last evaluated: 2023-09-05. Review status: criteria provided, single submitter. Criteria: GeneDx Variant Classification Process June 2021. Collection method: clinical testing. Allele origin: germline. Affected: yes.
Comment: In silico analysis supports that this missense variant has a deleterious effect on protein structure/function; This variant is associated with the following publications: (PMID: 35449176, 11574484, 32091409)

All of Us Research Program, National Institutes of Health
Classification: Uncertain significance for Lynch syndrome. Last evaluated: 2023-06-08. Review status: criteria provided, single submitter. Criteria: ACMG Guidelines, 2015. Collection method: clinical testing. Allele origin: germline. Inheritance: Autosomal dominant inheritance. Observed: 1 variant allele, 1 heterozygote.
Comment: This missense variant replaces glutamine with proline at codon 100 of the PMS2 protein. Computational prediction suggests that this variant may not impact protein structure and function (internally defined REVEL score threshold <= 0.5, PMID: 27666373). Splice site prediction tools suggest that this variant may not impact RNA splicing. To our knowledge, functional studies have not been performed for this variant. This variant has been reported in individuals affected with colorectal cancer (PMID: 34172528), or breast cancer (PMID: 32068069). This variant has been identified in 4/238842 chromosomes in the general population by the Genome Aggregation Database (gnomAD). The available evidence is insufficient to determine the role of this variant in disease conclusively. Therefore, this variant is classified as a Variant of Uncertain Significance.

This study involves interpretation of variants in research participants for the purpose of population health screening. Participant phenotype was not available at the time of variant classification. Additional details can be found in publication PMID: 35346344, PMCID: PMC8962531

Blueprint Genetics
Classification: Uncertain significance. Last evaluated: 2021-04-14. Review status: criteria provided, single submitter. Criteria: ACMG Guidelines, 2015. Collection method: clinical testing. Allele origin: germline.

Literature cited by the submitters: PubMed 32068069 (cited by Color Diagnostics, LLC DBA Color Health and All of Us Research Program, National Institutes of Health); PubMed 34172528 (cited by Color Diagnostics, LLC DBA Color Health and All of Us Research Program, National Institutes of Health).

NM_000535.7(PMS2):c.299A>C (p.Gln100Pro)

Gene: PMS2 (PMS1 homolog 2, mismatch repair system component; minus strand). Cytogenetic location: 7p22.1.
Variant type: single nucleotide variant.
Coding change: c.299A>C on transcript NM_000535.7 (MANE Select); coding-DNA position 299, A replaced by C.
Protein change: p.Gln100Pro; replaces glutamine 100 with proline.
Molecular consequence: missense variant. On other transcripts: 5 prime UTR variant (9), non-coding transcript variant (1), intron variant (2).
Genome position (GRCh38, 1-based): chr7:6,003,744, T>G on the plus strand (A>C on the coding strand, the complement: PMS2 is on the minus strand). VCF-style: chr7-6003744-T-G. GRCh37 (hg19) VCF-style: chr7-6043375-T-G.
Other names: c.-107A>C (NM_001322003.2, NM_001322004.2, NM_001322005.2 and 3 more transcripts); c.299A>C, p.Gln100Pro (NM_001322006.2, NM_001322014.2); c.-586A>C (NM_001322011.2, NM_001322012.2); c.-186A>C (NM_001322015.2); c.35+228A>C (NM_001322008.2, NM_001322007.2); short protein forms Q100P.
Identifiers: ClinVar variation 186187 (VCV000186187.25), dbSNP rs747771951, ClinGen allele CA011782.